The following is an entry in ClinVar:

NM_001267550.2(TTN):c.13793del (p.Gly4598fs)

Gene: TTN (titin; minus strand). Cytogenetic location: 2q31.2.
Variant type: Deletion.
Coding change: c.13793del on transcript NM_001267550.2 (MANE Select); coding-DNA position 13793, one base deleted (G; older notation c.13793delG).
Protein change: p.Gly4598fs; shifts the reading frame from glycine 4598.
Molecular consequence: frameshift variant. On other transcripts: intron variant (1).
Genome position (GRCh38, 1-based): chr2:178,739,440, C deleted on the plus strand (G on the coding strand, the reverse complement: TTN is on the minus strand); the first of 3 consecutive C bases (chr2:178,739,440-178,739,442); deleting any one gives the same sequence. VCF-style (leftmost placement, unchanged base first): chr2-178739439-AC-A. GRCh37 (hg19) VCF-style: chr2-179604166-AC-A.
Other names: c.13079delG (NM_133432.3); c.12842del, p.Gly4281fs (NM_001256850.1); c.12704del, p.Gly4235fs (NM_003319.4); c.13079del, p.Gly4360fs (NM_133432.3); c.13280del, p.Gly4427fs (NM_133437.4); c.10361-1080del (NM_133378.4); short protein forms G4427fs, G4235fs, G4281fs, G4360fs, G4598fs.
Identifiers: ClinVar variation 166229 (VCV000166229.5), dbSNP rs727503653, ClinGen allele CA179009.

ClinVar aggregate classification (germline): Uncertain significance (1 of 4 stars; one submission).

Submission:

Laboratory for Molecular Medicine, Mass General Brigham Personalized Medicine
Classification: Uncertain significance. Last evaluated: 2014-11-06. Review status: criteria provided, single submitter. Criteria: LMM Criteria. Collection method: clinical testing. Allele origin: germline. Observed: 1 variant allele.
Comment: Variant classified as Uncertain Significance - Favor Pathogenic. The p.Gly4360fs variant in TTN has not been previously reported in individuals with cardiomyopa thy or in large population studies. This variant is predicted to cause a framesh ift, which alters the protein?s amino acid sequence beginning at position 4360 a nd leads to a premature termination codon 3 amino acids downstream. This alterat ion is then predicted to lead to a truncated or absent protein. Frameshift and o ther truncating variants in TTN are strongly associated with DCM, particularly i f they are located in the exons encoding for the A-band region of the protein (H erman 2012, Pugh 2014). Variants in the I-band, where the p.Gly4360fs variant is located, occur at a greater frequency in controls than in individuals with DCM (Pugh 2014). This decreases the likelihood, but does not rule out that this vari ant has a role in disease. In summary, while the predicted impact of this varian t provides some suspicion for a pathogenic role, its clinical significance is un certain